The following is an entry in ClinVar:

ClinVar aggregate classification (germline): Uncertain significance (1 of 4 stars; one submission).

Allele frequency attached by ClinVar (database versions not stated): gnomAD 0.00001; TOPMed 0.00001.
gnomAD v4.1: 12 of 1,613,940 alleles (0.00074%); highest among the groups gnomAD compares: African/African-American, 0.004%; no homozygotes.

Submission:

Labcorp Genetics (formerly Invitae), Labcorp
Classification: Uncertain significance. Last evaluated: 2022-08-20. Review status: criteria provided, single submitter. Criteria: Invitae Variant Classification Sherloc (09022015). Collection method: clinical testing. Allele origin: germline.
Comment: In summary, the available evidence is currently insufficient to determine the role of this variant in disease. Therefore, it has been classified as a Variant of Uncertain Significance. Algorithms developed to predict the effect of missense changes on protein structure and function are either unavailable or do not agree on the potential impact of this missense change (SIFT: "Deleterious"; PolyPhen-2: "Possibly Damaging"; Align-GVGD: "Class C0"). This variant has not been reported in the literature in individuals affected with PRKN-related conditions. This variant is present in population databases (no rsID available, gnomAD 0.004%). This sequence change replaces valine, which is neutral and non-polar, with isoleucine, which is neutral and non-polar, at codon 164 of the PRKN protein (p.Val164Ile).

NM_004562.3(PRKN):c.490G>A (p.Val164Ile)

Genes: PRKN (parkin RBR E3 ubiquitin protein ligase; minus strand), LOC126859871 (MED14-independent group 3 enhancer GRCh37_chr6:162621359-162622558; plus strand). Cytogenetic location: 6q26.
Variant type: single nucleotide variant.
Coding change: c.490G>A on transcript NM_004562.3 (MANE Select); coding-DNA position 490, G replaced by A.
Protein change: p.Val164Ile; replaces valine 164 with isoleucine.
Molecular consequence: missense variant. On other transcripts: intron variant (1).
Genome position (GRCh38, 1-based): chr6:162,201,175, C>T on the plus strand (G>A on the coding strand, the complement: PRKN is on the minus strand). VCF-style: chr6-162201175-C-T. GRCh37 (hg19) VCF-style: chr6-162622207-C-T.
Other names: c.490G>A, p.Val164Ile (NM_013987.3); c.172-227758G>A (NM_013988.3); short protein forms V164I.
Identifiers: ClinVar variation 2078738 (VCV002078738.4), dbSNP rs1304117265, ClinGen allele CA366475502.